The following is an entry in ClinVar:

ClinVar aggregate classification (germline): Uncertain significance (1 of 4 stars; one submission).

Conditions:
Epidermolysis bullosa simplex with nail dystrophy (EBS5D). Identifiers: MedGen C4225309, MONDO:0014661, OMIM 616487.
Epidermolysis bullosa simplex, Ogna type (EBS5A). Also called: Pidermolysis bullosa simplex 5A, Ogna type; EPIDERMOLYSIS BULLOSA SIMPLEX 5A, OGNA TYPE. Identifiers: Orphanet 79401, MedGen C0432317, MONDO:0007555, OMIM 131950.
Autosomal recessive limb-girdle muscular dystrophy type 2Q (LGMDR17). Also called: MUSCULAR DYSTROPHY, LIMB-GIRDLE, AUTOSOMAL RECESSIVE 17. Identifiers: Orphanet 254361, MedGen C3150989, MONDO:0013390, OMIM 613723.
Epidermolysis bullosa simplex 5B, with muscular dystrophy (EBS5B). Also called: EPIDERMOLYSIS BULLOSA SIMPLEX AND LIMB-GIRDLE MUSCULAR DYSTROPHY; Epidermolysis bullosa simplex with muscular dystrophy. Identifiers: Orphanet 257, MedGen C2931072, MONDO:0009181, OMIM 226670.
Epidermolysis bullosa simplex 5C, with pyloric atresia (EBS5C). Also called: PLEC-Related Epidermolysis Bullosa with Pyloric Atresia; Epidermolysis bullosa simplex with pyloric atresia; PLEC1-Related Epidermolysis Bullosa with Pyloric Atresia. Identifiers: Orphanet 158684, MedGen C2677349, MONDO:0012807, OMIM 612138.

Submission:

Labcorp Genetics (formerly Invitae), Labcorp
Classification: Uncertain significance for Autosomal recessive limb-girdle muscular dystrophy type 2Q; Epidermolysis bullosa simplex, Ogna type; Epidermolysis bullosa simplex with nail dystrophy; Epidermolysis bullosa simplex 5C, with pyloric atresia; Epidermolysis bullosa simplex 5B, with muscular dystrophy. Last evaluated: 2024-12-09. Review status: criteria provided, single submitter. Criteria: Invitae Variant Classification Sherloc (09022015). Collection method: clinical testing. Allele origin: germline.
Comment: This sequence change replaces glutamine, which is neutral and polar, with histidine, which is basic and polar, at codon 820 of the PLEC protein (p.Gln820His). This variant is not present in population databases (gnomAD no frequency). This variant has not been reported in the literature in individuals affected with PLEC-related conditions. Invitae Evidence Modeling of protein sequence and biophysical properties (such as structural, functional, and spatial information, amino acid conservation, physicochemical variation, residue mobility, and thermodynamic stability) indicates that this missense variant is not expected to disrupt PLEC protein function with a negative predictive value of 80%. In summary, the available evidence is currently insufficient to determine the role of this variant in disease. Therefore, it has been classified as a Variant of Uncertain Significance.

NM_201384.3(PLEC):c.2379G>T (p.Gln793His)

Gene: PLEC (plectin; minus strand). Cytogenetic location: 8q24.3.
Variant type: single nucleotide variant.
Coding change: c.2379G>T on transcript NM_201384.3 (MANE Select); coding-DNA position 2379, G replaced by T.
Protein change: p.Gln793His; replaces glutamine 793 with histidine.
Molecular consequence: missense variant.
Genome position (GRCh38, 1-based): chr8:143,930,462, C>A on the plus strand (G>T on the coding strand, the complement: PLEC is on the minus strand). VCF-style: chr8-143930462-C-A. GRCh37 (hg19) VCF-style: chr8-145004630-C-A.
Other names: c.2460G>T, p.Gln820His (NM_000445.5, NM_001410941.1); c.2337G>T, p.Gln779His (NM_201378.4); c.2313G>T, p.Gln771His (NM_201379.3); c.2790G>T, p.Gln930His (NM_201380.4); c.2283G>T, p.Gln761His (NM_201381.3); c.2379G>T, p.Gln793His (NM_201382.4); c.2391G>T, p.Gln797His (NM_201383.3); short protein forms Q761H, Q771H, Q779H, Q793H, Q797H, Q820H, Q930H.
Identifiers: ClinVar variation 3751532 (VCV003751532.2).